The following is an entry in ClinVar:

NM_004168.4(SDHA):c.823G>A (p.Asp275Asn)

Gene: SDHA (succinate dehydrogenase complex flavoprotein subunit A; plus strand). Cytogenetic location: 5p15.33.
Variant type: single nucleotide variant.
Coding change: c.823G>A on transcript NM_004168.4 (MANE Select); coding-DNA position 823, G replaced by A.
Protein change: p.Asp275Asn; replaces aspartic acid 275 with asparagine.
Molecular consequence: missense variant.
Genome position (GRCh38, 1-based): chr5:230,928, G>A. VCF-style: chr5-230928-G-A. GRCh37 (hg19) VCF-style: chr5-231043-G-A.
Other names: c.679G>A, p.Asp227Asn (NM_001294332.2); c.823G>A, p.Asp275Asn (NM_001330758.2); short protein forms D275N, D227N.
Identifiers: ClinVar variation 472405 (VCV000472405.14), dbSNP rs1553998629, ClinGen allele CA359011699.

ClinVar aggregate classification (germline): Uncertain significance. Review status: criteria provided, multiple submitters, no conflicts (2 of 4 stars). 3 submissions from 3 submitters: Uncertain significance (3). Last evaluated 2025-07-31.

Conditions:
Hereditary cancer-predisposing syndrome. Also called: Neoplastic Syndromes, Hereditary; Hereditary Cancer Syndrome; Hereditary neoplastic syndrome; Tumor predisposition. Identifiers: Orphanet 140162, MedGen C0027672, MeSH D009386, MONDO:0015356.
Mitochondrial complex II deficiency, nuclear type 1. Also called: SUCCINATE CoQ REDUCTASE DEFICIENCY. Identifiers: Orphanet 3208, MedGen C5700310, MONDO:0100294, OMIM 252011.
Pheochromocytoma/paraganglioma syndrome 5. Also called: Paragangliomas 5; SDHA-Related Hereditary Paraganglioma-Pheochromocytoma Syndrome. Identifiers: Orphanet 29072, MedGen C3279992, MONDO:0013602, OMIM 614165.

Allele frequency attached by ClinVar (database versions not stated): gnomAD exomes below 0.00001.
gnomAD v4.1: 4 of 1,614,030 alleles (0.00025%); highest among the groups gnomAD compares: Non-Finnish European, 0.00034%; no homozygotes.

Submissions (3):

Quest Diagnostics Nichols Institute San Juan Capistrano
Classification: Uncertain significance. Last evaluated: 2025-07-31. Review status: criteria provided, single submitter. Criteria: Quest Diagnostics criteria. Collection method: clinical testing. Allele origin: unknown.
Comment: The SDHA c.823G>A (p.Asp275Asn) variant has not been reported in individuals with SDHA-related conditions in the published literature. This variant has not been reported in large, multi-ethnic general populations (Genome Aggregation Database). Analysis of this variant using bioinformatics tools for the prediction of the effect of amino acid changes on protein structure and function yielded predictions that this variant is damaging. Based on the available information, we are unable to determine the clinical significance of this variant.

Labcorp Genetics (formerly Invitae), Labcorp
Classification: Uncertain significance for Pheochromocytoma/paraganglioma syndrome 5; Mitochondrial complex II deficiency, nuclear type 1. Last evaluated: 2025-05-25. Review status: criteria provided, single submitter. Criteria: Invitae Variant Classification Sherloc (09022015). Collection method: clinical testing. Allele origin: germline.
Comment: This sequence change replaces aspartic acid, which is acidic and polar, with asparagine, which is neutral and polar, at codon 275 of the SDHA protein (p.Asp275Asn). This variant is not present in population databases (gnomAD no frequency). This variant has not been reported in the literature in individuals affected with SDHA-related conditions. ClinVar contains an entry for this variant (Variation ID: 472405). Invitae Evidence Modeling of protein sequence and biophysical properties (such as structural, functional, and spatial information, amino acid conservation, physicochemical variation, residue mobility, and thermodynamic stability) has been performed for this missense variant. However, the output from this modeling did not meet the statistical confidence thresholds required to predict the impact of this variant on SDHA protein function. In summary, the available evidence is currently insufficient to determine the role of this variant in disease. Therefore, it has been classified as a Variant of Uncertain Significance.

Ambry Genetics
Classification: Uncertain significance for Hereditary cancer-predisposing syndrome. Last evaluated: 2025-01-16. Review status: criteria provided, single submitter. Criteria: Ambry Variant Classification Scheme 2023. Collection method: clinical testing. Allele origin: germline.
Comment: The p.D275N variant (also known as c.823G>A), located in coding exon 7 of the SDHA gene, results from a G to A substitution at nucleotide position 823. The aspartic acid at codon 275 is replaced by asparagine, an amino acid with highly similar properties. This amino acid position is highly conserved in available vertebrate species. In addition, the in silico prediction for this alteration is inconclusive. Based on the available evidence, the clinical significance of this variant remains unclear.